The following is an entry in ClinVar:

ClinVar aggregate classification (germline): Uncertain significance (1 of 4 stars; one submission).

gnomAD v4.1: 7 of 1,613,936 alleles (0.00043%); highest among the groups gnomAD compares: South Asian, 0.0011%; no homozygotes.

Submission:

Labcorp Genetics (formerly Invitae), Labcorp
Classification: Uncertain significance. Last evaluated: 2025-11-23. Review status: criteria provided, single submitter. Criteria: Invitae Variant Classification Sherloc (09022015). Collection method: clinical testing. Allele origin: germline.
Comment: This sequence change replaces aspartic acid, which is acidic and polar, with asparagine, which is neutral and polar, at codon 178 of the TM4SF20 protein (p.Asp178Asn). This variant is present in population databases (no rsID available, gnomAD 0.003%). This missense change has been observed in individual(s) with clinical features of TM4SF20-related conditions (PMID: 35982159, 35982160). An algorithm developed to predict the effect of missense changes on protein structure and function outputs the following: PolyPhen-2: "Benign". The asparagine amino acid residue is found in multiple mammalian species, which suggests that this missense change does not adversely affect protein function. In summary, the available evidence is currently insufficient to determine the role of this variant in disease. Therefore, it has been classified as a Variant of Uncertain Significance.

Literature cited by the submitters: PubMed 35982159; PubMed 35982160.

NM_024795.4(TM4SF20):c.532G>A (p.Asp178Asn)

Gene: TM4SF20 (transmembrane 4 L six family member 20; minus strand). Cytogenetic location: 2q36.3.
Variant type: single nucleotide variant.
Coding change: c.532G>A on transcript NM_024795.4 (MANE Select); coding-DNA position 532, G replaced by A.
Protein change: p.Asp178Asn; replaces aspartic acid 178 with asparagine.
Molecular consequence: missense variant.
Genome position (GRCh38, 1-based): chr2:227,363,882, C>T on the plus strand (G>A on the coding strand, the complement: TM4SF20 is on the minus strand). VCF-style: chr2-227363882-C-T. GRCh37 (hg19) VCF-style: chr2-228228598-C-T.
Other names: short protein forms D178N.
Identifiers: ClinVar variation 4704657 (VCV004704657.1).